The following is an entry in ClinVar:

ClinVar aggregate classification (germline): Uncertain significance. Review status: criteria provided, multiple submitters, no conflicts (2 of 4 stars). 2 submissions from 2 submitters: Uncertain significance (2). Last evaluated 2022-08-04.

Conditions:
Hereditary cancer-predisposing syndrome. Also called: Neoplastic Syndromes, Hereditary; Hereditary Cancer Syndrome; Hereditary neoplastic syndrome; Tumor predisposition. Identifiers: Orphanet 140162, MedGen C0027672, MeSH D009386, MONDO:0015356.
Retinoblastoma (RB1). Also called: RETINOBLASTOMA, SOMATIC. Identifiers: Orphanet 790, MedGen C0035335, MeSH D012175, MONDO:0008380, OMIM 180200, HP:0009919. Disease mechanism: loss of function. Inheritance: Both sporadic and heritable forms are tested..

Submissions (2):

Ambry Genetics
Classification: Uncertain significance for Hereditary cancer-predisposing syndrome. Last evaluated: 2022-08-04. Review status: criteria provided, single submitter. Criteria: Ambry Variant Classification Scheme 2023. Collection method: clinical testing. Allele origin: germline.
Comment: The p.L305F variant (also known as c.913C>T), located in coding exon 9 of the RB1 gene, results from a C to T substitution at nucleotide position 913. The leucine at codon 305 is replaced by phenylalanine, an amino acid with highly similar properties. This amino acid position is conserved. In addition, the in silico prediction for this alteration is inconclusive. Since supporting evidence is limited at this time, the clinical significance of this alteration remains unclear.

Labcorp Genetics (formerly Invitae), Labcorp
Classification: Uncertain significance for Retinoblastoma. Last evaluated: 2021-04-19. Review status: criteria provided, single submitter. Criteria: Invitae Variant Classification Sherloc (09022015). Collection method: clinical testing. Allele origin: germline.
Comment: In summary, the available evidence is currently insufficient to determine the role of this variant in disease. Therefore, it has been classified as a Variant of Uncertain Significance. Algorithms developed to predict the effect of missense changes on protein structure and function are either unavailable or do not agree on the potential impact of this missense change (SIFT: "Deleterious"; PolyPhen-2: "Benign"; Align-GVGD: "Class C0"). This variant has not been reported in the literature in individuals with RB1-related conditions. This variant is not present in population databases (ExAC no frequency). This sequence change replaces leucine with phenylalanine at codon 305 of the RB1 protein (p.Leu305Phe). The leucine residue is weakly conserved and there is a small physicochemical difference between leucine and phenylalanine.

NM_000321.3(RB1):c.913C>T (p.Leu305Phe)

Gene: RB1 (RB transcriptional corepressor 1; plus strand). Cytogenetic location: 13q14.2.
Variant type: single nucleotide variant.
Coding change: c.913C>T on transcript NM_000321.3 (MANE Select); coding-DNA position 913, C replaced by T.
Protein change: p.Leu305Phe; replaces leucine 305 with phenylalanine.
Molecular consequence: missense variant.
Genome position (GRCh38, 1-based): chr13:48,364,945, C>T. VCF-style: chr13-48364945-C-T. GRCh37 (hg19) VCF-style: chr13-48939081-C-T.
Other names: short protein forms L305F.
Identifiers: ClinVar variation 1422666 (VCV001422666.10), dbSNP rs1292944238, ClinGen allele CA388160019.